The following is an entry in ClinVar:

NM_152722.5(HEPACAM):c.1062C>T (p.Pro354=)

Gene: HEPACAM (hepatic and glial cell adhesion molecule; minus strand). Cytogenetic location: 11q24.2.
Variant type: single nucleotide variant.
Coding change: c.1062C>T on transcript NM_152722.5 (MANE Select); coding-DNA position 1062, C replaced by T.
Protein change: p.Pro354=; no amino-acid change (proline 354 retained).
Molecular consequence: synonymous variant.
Genome position (GRCh38, 1-based): chr11:124,921,327, G>A on the plus strand (C>T on the coding strand, the complement: HEPACAM is on the minus strand). VCF-style: chr11-124921327-G-A. GRCh37 (hg19) VCF-style: chr11-124791223-G-A.
Other names: p.Pro354=; c.1062C>T (NM_152722.4).
Identifiers: ClinVar variation 1582595 (VCV001582595.34), dbSNP rs780208452, ClinGen allele CA6345550.
Genomic context (GRCh38, chr11:124,921,327, plus strand): 5'-TGTCCGGCCGGTGGCTGGGGAGCGCGCTGGGGAGCGCGGGTAGCGGCGGGCAGAGCGGAT[G>A]GGCAGCCCCGGCGAGCGGCCGGGCACGGCGGGAGACACGGAGTAGCCGGGCGGGCCGGGC-3'
Protein context (NP_689935.2, residues 344-364): PAVPGRSPGL[Pro354=]IRSARRYPRS

ClinVar aggregate classification (germline): Likely benign. Review status: criteria provided, multiple submitters, no conflicts (2 of 4 stars). 5 submissions from 5 submitters: Likely benign (4). 1 of the submissions does not count toward it. Last evaluated 2026-01-01.

Conditions:
HEPACAM-related disorder. Also called: HEPACAM-related condition.
Megalencephalic leukoencephalopathy with subcortical cysts 2B, remitting, with or without impaired intellectual development. Also called: Megalencephalic leukoencephalopathy with subcortical cysts 2B, remitting, with or without intellectual disability. Identifiers: Orphanet 2478, MedGen C3151356, MONDO:0013491, OMIM 613926.
Megalencephalic leukoencephalopathy with subcortical cysts 2A. Identifiers: Orphanet 2478, MedGen C3151355, MONDO:0013490, OMIM 613925.
Megalencephalic leukoencephalopathy with subcortical cysts 1 (MLC1). Also called: LEUKOENCEPHALOPATHY WITH SWELLING AND CYSTS; VACUOLATING MEGALENCEPHALIC LEUKOENCEPHALOPATHY WITH SUBCORTICAL CYSTS. Identifiers: Orphanet 2478, MedGen C5779875, MONDO:0024555, OMIM 604004.

Allele frequency attached by ClinVar (database versions not stated): gnomAD 0.00017 and 0.00015; gnomAD exomes 0.00009; TOPMed 0.00022.
gnomAD v4.1: 133 of 1,275,162 alleles (0.01%); highest among the groups gnomAD compares: Admixed American, 0.042%; no homozygotes.

Submissions (5):

CeGaT Center for Human Genetics Tuebingen
Classification: Likely benign. Last evaluated: 2026-01-01. Review status: criteria provided, single submitter. Criteria: CeGaT Center For Human Genetics Tuebingen Variant Classification Criteria Version 2. Collection method: clinical testing. Allele origin: germline. Affected: yes. Observed: 2 variant alleles.
Comment: HEPACAM: BP4, BP7

Mayo Clinic Laboratories, Mayo Clinic
Classification: Likely benign. Last evaluated: 2025-10-20. Review status: criteria provided, single submitter. Criteria: ACMG Guidelines, 2015. Collection method: clinical testing. Allele origin: germline. Observed: 1 variant allele.
Comment: BS1, BP4, BP7

Labcorp Genetics (formerly Invitae), Labcorp
Classification: Likely benign. Last evaluated: 2025-05-09. Review status: criteria provided, single submitter. Criteria: Invitae Variant Classification Sherloc (09022015). Collection method: clinical testing. Allele origin: germline.

Fulgent Genetics
Classification: Likely benign for Megalencephalic leukoencephalopathy with subcortical cysts 1; Megalencephalic leukoencephalopathy with subcortical cysts 2A; Megalencephalic leukoencephalopathy with subcortical cysts 2B, remitting, with or without impaired intellectual development. Last evaluated: 2021-10-18. Review status: criteria provided, single submitter. Criteria: ACMG Guidelines, 2015. Collection method: clinical testing. Allele origin: unknown.

PreventionGenetics, part of Exact Sciences
Classification: Likely benign for HEPACAM-related condition. Last evaluated: 2024-06-28. Review status: no assertion criteria provided. Collection method: clinical testing. Allele origin: germline. Not counted in ClinVar's aggregate classification.
Comment: This variant is classified as likely benign based on ACMG/AMP sequence variant interpretation guidelines (Richards et al. 2015 PMID: 25741868, with internal and published modifications).